The following is an entry in ClinVar:

ClinVar aggregate classification (germline): Uncertain significance. Review status: criteria provided, multiple submitters, no conflicts (2 of 4 stars). 2 submissions from 2 submitters: Uncertain significance (2). Last evaluated 2024-04-18.

Conditions:
Familial thoracic aortic aneurysm and aortic dissection (TAAD). Also called: Thoracic aortic aneurysms and dissections. Identifiers: Orphanet 91387, MedGen C4707243, MONDO:0019625.
Marfan syndrome (MFS). Also called: Marfan syndrome, classic; Marfan syndrome type 1; Marfan's syndrome; FBN1-Related Marfan Syndrome; MARFAN SYNDROME, TYPE I. Identifiers: Orphanet 284963, Orphanet 558, MedGen C0024796, MONDO:0007947, OMIM 154700.

Allele frequency attached by ClinVar (database versions not stated): gnomAD exomes below 0.00001.
gnomAD v4.1: 5 of 1,613,686 alleles (0.00031%); highest among the groups gnomAD compares: Non-Finnish European, 0.00042%; no homozygotes.

Submissions (2):

Labcorp Genetics (formerly Invitae), Labcorp
Classification: Uncertain significance for Marfan syndrome; Familial thoracic aortic aneurysm and aortic dissection. Last evaluated: 2024-04-18. Review status: criteria provided, single submitter. Criteria: Invitae Variant Classification Sherloc (09022015). Collection method: clinical testing. Allele origin: germline.
Comment: This sequence change replaces threonine, which is neutral and polar, with isoleucine, which is neutral and non-polar, at codon 784 of the FBN1 protein (p.Thr784Ile). This variant is not present in population databases (gnomAD no frequency). This missense change has been observed in individual(s) with thoracic aortic aneurysm and dissection (Invitae). ClinVar contains an entry for this variant (Variation ID: 918422). Advanced modeling of protein sequence and biophysical properties (such as structural, functional, and spatial information, amino acid conservation, physicochemical variation, residue mobility, and thermodynamic stability) performed at Invitae indicates that this missense variant is expected to disrupt FBN1 protein function with a positive predictive value of 95%. In summary, the available evidence is currently insufficient to determine the role of this variant in disease. Therefore, it has been classified as a Variant of Uncertain Significance.

Color Diagnostics, LLC DBA Color Health
Classification: Uncertain significance for Familial thoracic aortic aneurysm and aortic dissection. Last evaluated: 2024-03-06. Review status: criteria provided, single submitter. Criteria: ACMG Guidelines, 2015. Collection method: clinical testing. Allele origin: germline.
Comment: This missense variant replaces threonine with isoleucine at codon 784 of the FBN1 protein. Computational prediction suggests that this variant may have deleterious impact on protein structure and function (internally defined REVEL score threshold >= 0.7, PMID: 27666373). To our knowledge, functional studies have not been reported for this variant. This variant has not been reported in individuals affected with FBN1-related disorders in the literature. This variant has not been identified in the general population by the Genome Aggregation Database (gnomAD). The available evidence is insufficient to determine the role of this variant in disease conclusively. Therefore, this variant is classified as a Variant of Uncertain Significance.

NM_000138.5(FBN1):c.2351C>T (p.Thr784Ile)

Gene: FBN1 (fibrillin 1; minus strand). Cytogenetic location: 15q21.1.
Variant type: single nucleotide variant.
Coding change: c.2351C>T on transcript NM_000138.5 (MANE Select); coding-DNA position 2351, C replaced by T.
Protein change: p.Thr784Ile; replaces threonine 784 with isoleucine.
Molecular consequence: missense variant.
Genome position (GRCh38, 1-based): chr15:48,496,168, G>A on the plus strand (C>T on the coding strand, the complement: FBN1 is on the minus strand). VCF-style: chr15-48496168-G-A. GRCh37 (hg19) VCF-style: chr15-48788365-G-A.
Other names: short protein forms T784I.
Identifiers: ClinVar variation 918422 (VCV000918422.6), dbSNP rs2043606965, ClinGen allele CA392335434.